The following is an entry in ClinVar:

ClinVar aggregate classification (germline): Uncertain significance. Review status: criteria provided, multiple submitters, no conflicts (2 of 4 stars). 2 submissions from 2 submitters: Uncertain significance (2). Last evaluated 2025-11-18.

Allele frequency attached by ClinVar (database versions not stated): TOPMed 0.00001; gnomAD 0.00002; gnomAD exomes 0.00001.

Submissions (2):

Labcorp Genetics (formerly Invitae), Labcorp
Classification: Uncertain significance. Last evaluated: 2025-11-18. Review status: criteria provided, single submitter. Criteria: Invitae Variant Classification Sherloc (09022015). Collection method: clinical testing. Allele origin: germline.
Comment: This sequence change replaces glutamic acid, which is acidic and polar, with lysine, which is basic and polar, at codon 1361 of the TOP2B protein (p.Glu1361Lys). This variant is present in population databases (no rsID available, gnomAD 0.02%). This variant has not been reported in the literature in individuals affected with TOP2B-related conditions. ClinVar contains an entry for this variant (Variation ID: 2723644). An algorithm developed to predict the effect of missense changes on protein structure and function (PolyPhen-2) suggests that this variant is likely to be tolerated. In summary, the available evidence is currently insufficient to determine the role of this variant in disease. Therefore, it has been classified as a Variant of Uncertain Significance.

Ambry Genetics
Classification: Uncertain significance. Last evaluated: 2024-06-04. Review status: criteria provided, single submitter. Criteria: Ambry Variant Classification Scheme 2023. Collection method: clinical testing. Allele origin: germline.

NM_001330700.2(TOP2B):c.4096G>A (p.Glu1366Lys)

Gene: TOP2B (DNA topoisomerase II beta; minus strand). Cytogenetic location: 3p24.2.
Variant type: single nucleotide variant.
Coding change: c.4096G>A on transcript NM_001330700.2 (MANE Select); coding-DNA position 4096, G replaced by A.
Protein change: p.Glu1366Lys; replaces glutamic acid 1366 with lysine.
Molecular consequence: missense variant.
Genome position (GRCh38, 1-based): chr3:25,607,373, C>T on the plus strand (G>A on the coding strand, the complement: TOP2B is on the minus strand). VCF-style: chr3-25607373-C-T. GRCh37 (hg19) VCF-style: chr3-25648864-C-T.
Other names: c.4081G>A, p.Glu1361Lys (NM_001068.3); c.4081G>A (NM_001068.2); short protein forms E1361K, E1366K.
Identifiers: ClinVar variation 2723644 (VCV002723644.4), dbSNP rs984814787, ClinGen allele CA71624192.